The following is an entry in ClinVar:

ClinVar aggregate classification (germline): Uncertain significance (1 of 4 stars; one submission).

Conditions:
Cardiomyopathy (CMYO). Also called: Cardiomyopathies. Identifiers: Orphanet 167848, MedGen C0878544, MONDO:0004994, HP:0001638. Inheritance: Various modes of inheritance.

Submission:

Color Diagnostics, LLC DBA Color Health
Classification: Uncertain significance for Cardiomyopathy. Last evaluated: 2023-12-05. Review status: criteria provided, single submitter. Criteria: ACMG Guidelines, 2015. Collection method: clinical testing. Allele origin: germline.
Comment: Variant of Uncertain Significance due to insufficient evidence: This missense variant is located in the cytoplasmic domain of the RYR2 protein. Computational prediction tools and conservation analyses suggest that this variant may have deleterious impact on the protein function. Computational splicing tools suggest that this variant may not impact RNA splicing. To our knowledge, functional assays have not been performed for this variant nor has this variant been reported in individuals affected with cardiovascular disorders in the literature. This variant is rare in the general population and has been identified in 0/277264 chromosomes by the Genome Aggregation Database (gnomAD). Available evidence is insufficient to determine the pathogenicity of this variant conclusively.

NM_001035.3(RYR2):c.6677G>A (p.Ser2226Asn)

Gene: RYR2 (ryanodine receptor 2; plus strand). Cytogenetic location: 1q43.
Variant type: single nucleotide variant.
Coding change: c.6677G>A on transcript NM_001035.3 (MANE Select); coding-DNA position 6677, G replaced by A.
Protein change: p.Ser2226Asn; replaces serine 2226 with asparagine.
Molecular consequence: missense variant.
Genome position (GRCh38, 1-based): chr1:237,633,699, G>A. VCF-style: chr1-237633699-G-A. GRCh37 (hg19) VCF-style: chr1-237796999-G-A.
Other names: c.6677G>A, p.Ser2226Asn (LRG_402t1); short protein forms S2226N.
Identifiers: ClinVar variation 627741 (VCV000627741.4), dbSNP rs1558104099, ClinGen allele CA345394393.
Genomic context (GRCh38, chr1:237,633,699, plus strand): 5'-TAAGTAGGCAGAATCAAAAAGCTATGTTTGATCATCTCAGTTATTTACTGGAAAACAGCA[G>A]TGTTGGTCTTGGTAAGTAAATGACTTTTATTTCATCTTTAAGGTTGAAATAATATAATAT-3'
Protein context (NP_001026.2, residues 2216-2236): DHLSYLLENS[Ser2226Asn]VGLASPAMRG